The following is an entry in ClinVar:

ClinVar aggregate classification (germline): Pathogenic (1 of 4 stars; one submission).

Conditions:
Osteogenesis imperfecta type I (OI1). Also called: Lobstein disease; OI, TYPE I; OSTEOGENESIS IMPERFECTA TARDA; OSTEOGENESIS IMPERFECTA WITH BLUE SCLERAE; Osteogenesis imperfecta type 1; Classic Non-deforming Osteogenesis Imperfecta with Blue Sclerae. Identifiers: Orphanet 216796, Orphanet 666, MedGen C0023931, MONDO:0008146, OMIM 166200. Disease mechanism: loss of function.

Submission:

Labcorp Genetics (formerly Invitae), Labcorp
Classification: Pathogenic for Osteogenesis imperfecta type I. Last evaluated: 2022-03-11. Review status: criteria provided, single submitter. Criteria: Invitae Variant Classification Sherloc (09022015). Collection method: clinical testing. Allele origin: germline.
Comment: This variant is not present in population databases (gnomAD no frequency). This sequence change creates a premature translational stop signal (p.Ser1063Argfs*45) in the COL1A1 gene. It is expected to result in an absent or disrupted protein product. Loss-of-function variants in COL1A1 are known to be pathogenic (PMID: 7942841, 9295084, 9443882). For these reasons, this variant has been classified as Pathogenic. This variant has not been reported in the literature in individuals affected with COL1A1-related conditions.

Literature cited by the submitters: PubMed 7942841; PubMed 9295084; PubMed 9443882.

NM_000088.4(COL1A1):c.3189del (p.Ser1063fs)

Gene: COL1A1 (collagen type I alpha 1 chain; minus strand). Cytogenetic location: 17q21.33.
Variant type: Deletion.
Coding change: c.3189del on transcript NM_000088.4 (MANE Select); coding-DNA position 3189, one base deleted (T; older notation c.3189delT).
Protein change: p.Ser1063fs; shifts the reading frame from serine 1063.
Molecular consequence: frameshift variant.
Genome position (GRCh38, 1-based): chr17:50,188,548, A deleted on the plus strand (T on the coding strand, the reverse complement: COL1A1 is on the minus strand). VCF-style (leftmost placement, unchanged base first): chr17-50188547-CA-C. GRCh37 (hg19) VCF-style: chr17-48265908-CA-C.
Other names: short protein forms S1063fs.
Identifiers: ClinVar variation 2108919 (VCV002108919.4), dbSNP rs2509177043, ClinGen allele CA2580094225.
Genomic context (GRCh38, chr17:50,188,547, plus strand): 5'-CCTGGCCTGACCAGGTACAGGGAACTGGAGCCCAGCTACTTACAGTCTCACCACGATCAC[CA>C]CTCTTGCCAGCAGGGCCAACGGGGCCAGGGGCACCAGGAGCACCAGGAGCACCAGGGGGT-3'